The following is an entry in ClinVar:

ClinVar aggregate classification (germline): Pathogenic. Review status: criteria provided, multiple submitters, no conflicts (2 of 4 stars). 2 submissions from 2 submitters: Pathogenic (2). Last evaluated 2026-04-06.

Conditions:
Focal segmental glomerulosclerosis 7 (FSGS7). Identifiers: Orphanet 656, MedGen C4014925, MONDO:0014451, OMIM 616002.

Submissions (2):

Molecular Lab, University of Sulaimaniyah
Classification: Pathogenic for Focal segmental glomerulosclerosis 7. Last evaluated: 2026-04-06. Review status: criteria provided, single submitter. Criteria: ACMG Guidelines, 2015. Collection method: research. Allele origin: germline. Inheritance: Autosomal dominant inheritance. Affected: yes. Observed: 1 variant allele, 1 homozygote.
Comment: This variant was classified using the ACMG/AMP 2015 framework (PMID:25741868). PVS1 was applied because JAG1 c.2270_2271insG is predicted to cause a frameshift and premature termination. PM2 was considered because the variant is absent or rare in population databases. PP4 was used as supporting case-level evidence because the variant was observed in an affected individual from a biopsy-proven focal segmental glomerulosclerosis cohort. As internal case-level support, the variant was observed in 1 affected individual(s) among 35 individuals tested, including 1 single heterozygote. No functional assay evidence is submitted. Overall, the submitted evidence supported a Pathogenic classification.

Eurofins Ntd Llc (ga)
Classification: Pathogenic. Last evaluated: 2016-03-29. Review status: criteria provided, single submitter. Criteria: EGL Classification Definitions. Collection method: clinical testing. Allele origin: germline. Observed: 1 variant allele, 1 heterozygote.

NM_000214.3(JAG1):c.2270dup (p.Thr758fs)

Gene: JAG1 (jagged canonical Notch ligand 1; minus strand). Cytogenetic location: 20p12.2.
Variant type: Duplication.
Coding change: c.2270dup on transcript NM_000214.3 (MANE Select); coding-DNA position 2270, one base duplicated (G; older notation c.2270dupG).
Protein change: p.Thr758fs; shifts the reading frame from threonine 758.
Molecular consequence: frameshift variant.
Genome position (GRCh38, 1-based): chr20:10,644,937, C duplicated on the plus strand (G on the coding strand, the reverse complement: JAG1 is on the minus strand); the first of 5 consecutive C bases (chr20:10,644,937-10,644,941); duplicating any one gives the same sequence. VCF-style (leftmost placement, unchanged base first): chr20-10644936-G-GC. GRCh37 (hg19) VCF-style: chr20-10625584-G-GC.
Other names: c.2270dup, p.Thr758fs (LRG_1191t1); c.2270_2271insG (NM_000214.3); short protein forms T758fs.
Identifiers: ClinVar variation 287252 (VCV000287252.7), dbSNP rs886043605, ClinGen allele CA10605716.
Genomic context (GRCh38, chr20:10,644,936, plus strand): 5'-GGGCCCCTCCCAGCCTTCCTTGCAGACGCACGTAAAGGACTCGCCGTTGACCACACATGT[G>GC]CCCCCATTATGGCAGGGGTTGGGCAGGCAGCTACTGTTTCGGGCTATAAAAGAAGAGCAG-3'